The following is an entry in ClinVar:

ClinVar aggregate classification (germline): Uncertain significance. Review status: criteria provided, multiple submitters, no conflicts (2 of 4 stars). 4 submissions from 3 submitters: Uncertain significance (4). Last evaluated 2024-07-23.

Conditions:
Cardiovascular phenotype. Identifiers: MedGen CN230736.
Hereditary cancer-predisposing syndrome. Also called: Hereditary Cancer Syndrome; Neoplastic Syndromes, Hereditary; Tumor predisposition; Hereditary neoplastic syndrome. Identifiers: Orphanet 140162, MedGen C0027672, MeSH D009386, MONDO:0015356.
Neurofibromatosis, type 1 (NF1). Also called: Neurofibromatosis, type I; VON RECKLINGHAUSEN DISEASE; NEUROFIBROMATOSIS, TYPE I, SOMATIC; Peripheral type neurofibromatosis. Identifiers: Orphanet 636, MedGen C0027831, MONDO:0018975, OMIM 162200. Disease mechanism: loss of function.

Allele frequency attached by ClinVar (database versions not stated): gnomAD exomes below 0.00001 and 0.00001; ExAC 0.00002.
gnomAD v4.1: 2 of 1,602,316 alleles (0.00012%); highest among the groups gnomAD compares: Non-Finnish European, 0.00017%; no homozygotes.

Submissions (4):

Labcorp Genetics (formerly Invitae), Labcorp
Classification: Uncertain significance for Neurofibromatosis, type 1. Last evaluated: 2024-07-23. Review status: criteria provided, single submitter. Criteria: Invitae Variant Classification Sherloc (09022015). Collection method: clinical testing. Allele origin: germline.
Comment: This sequence change replaces glutamine, which is neutral and polar, with glutamic acid, which is acidic and polar, at codon 181 of the NF1 protein (p.Gln181Glu). This variant is present in population databases (rs753529924, gnomAD 0.002%). This variant has not been reported in the literature in individuals affected with NF1-related conditions. ClinVar contains an entry for this variant (Variation ID: 229905). Advanced modeling of protein sequence and biophysical properties (such as structural, functional, and spatial information, amino acid conservation, physicochemical variation, residue mobility, and thermodynamic stability) performed at Invitae indicates that this missense variant is expected to disrupt NF1 protein function with a positive predictive value of 95%. In summary, the available evidence is currently insufficient to determine the role of this variant in disease. Therefore, it has been classified as a Variant of Uncertain Significance.

Women's Health and Genetics/Laboratory Corporation of America, LabCorp
Classification: Uncertain significance. Last evaluated: 2022-01-20. Review status: criteria provided, single submitter. Criteria: LabCorp Variant Classification Summary - May 2015. Collection method: clinical testing. Allele origin: germline.

Ambry Genetics
Classification: Uncertain significance for Cardiovascular phenotype; Hereditary cancer-predisposing syndrome. Last evaluated: 2021-03-24. Review status: criteria provided, single submitter. Criteria: Ambry Variant Classification Scheme 2023. Collection method: clinical testing. Allele origin: germline.

Ambry Genetics
Classification: Uncertain significance for Hereditary cancer-predisposing syndrome. Last evaluated: 2015-01-02. Review status: criteria provided, single submitter. Criteria: Ambry Autosomal Dominant and X-Linked criteria (10/2015). Collection method: clinical testing. Allele origin: germline. Observed: 1 variant allele.
Comment: The p.Q181E variant (also known as c.541C>G), located in coding exon 5 of the NF1 gene, results from a C to G substitution at nucleotide position 541. The glutamine at codon 181 is replaced by glutamic acid, an amino acid with highly similar properties. This variant was not reported in population based cohorts in the following databases: Database of Single Nucleotide Polymorphisms (dbSNP), NHLBI Exome Sequencing Project (ESP), and 1000 Genomes Project. In the ESP, this variant was not observed in 6502 samples (13004 alleles) with coverage at this position. To date, this alteration has been detected with an allele frequency of approximately 0.003% (greater than 30000 alleles tested) in our clinical cohort. This amino acid position is highly conserved in available vertebrate species. In addition, this alteration is predicted to be probably damaging and tolerated by PolyPhen and SIFT in silico analyses, respectively. Since supporting evidence is limited at this time, the clinical significance of p.Q181E remains unclear.

NM_001042492.3(NF1):c.541C>G (p.Gln181Glu)

Gene: NF1 (neurofibromin 1; plus strand). Cytogenetic location: 17q11.2.
Variant type: single nucleotide variant.
Coding change: c.541C>G on transcript NM_001042492.3 (MANE Select); coding-DNA position 541, C replaced by G.
Protein change: p.Gln181Glu; replaces glutamine 181 with glutamic acid.
Molecular consequence: missense variant.
Genome position (GRCh38, 1-based): chr17:31,169,952, C>G. VCF-style: chr17-31169952-C-G. GRCh37 (hg19) VCF-style: chr17-29496970-C-G.
Other names: c.541C>G, p.Gln181Glu (NM_000267.4, NM_001128147.3); short protein forms Q181E.
Identifiers: ClinVar variation 229905 (VCV000229905.8), dbSNP rs753529924, ClinGen allele CA8485553.